The following is an entry in ClinVar:

NM_001039141.3(TRIOBP):c.3308A>G (p.His1103Arg)

Gene: TRIOBP (TRIO and F-actin binding protein; plus strand). Cytogenetic location: 22q13.1.
Variant type: single nucleotide variant.
Coding change: c.3308A>G on transcript NM_001039141.3 (MANE Select); coding-DNA position 3308, A replaced by G.
Protein change: p.His1103Arg; replaces histidine 1103 with arginine.
Molecular consequence: missense variant.
Genome position (GRCh38, 1-based): chr22:37,725,864, A>G. VCF-style: chr22-37725864-A-G. GRCh37 (hg19) VCF-style: chr22-38121871-A-G.
Other names: short protein forms H1103R.
Identifiers: ClinVar variation 1963942 (VCV001963942.5), dbSNP rs1378286275, ClinGen allele CA411478756.
Genomic context (GRCh38, chr22:37,725,864, plus strand): 5'-ACCCCTTCCCCTTCCTCCCAGACACATCAGATGCCGAGCATCAGTGTCAGTCCCCCCAAC[A>G]CGAGCCCCTTCAGCTCCCTGCACCTGTGTGTATTGGGTACCGAGATGCACCCCGGGCCTC-3'
Protein context (NP_001034230.1, residues 1093-1113): DAEHQCQSPQ[His1103Arg]EPLQLPAPVC

ClinVar aggregate classification (germline): Uncertain significance (1 of 4 stars; one submission).

Allele frequency attached by ClinVar (database versions not stated): gnomAD exomes below 0.00001; TOPMed below 0.00001; gnomAD 0.00001.
gnomAD v4.1: 3 of 1,605,762 alleles (0.00019%); highest among the groups gnomAD compares: Non-Finnish European, 0.00025%; no homozygotes.

Submission:

Labcorp Genetics (formerly Invitae), Labcorp
Classification: Uncertain significance. Last evaluated: 2025-03-17. Review status: criteria provided, single submitter. Criteria: Invitae Variant Classification Sherloc (09022015). Collection method: clinical testing. Allele origin: germline.
Comment: This sequence change replaces histidine, which is basic and polar, with arginine, which is basic and polar, at codon 1103 of the TRIOBP protein (p.His1103Arg). This variant is not present in population databases (gnomAD no frequency). This variant has not been reported in the literature in individuals affected with TRIOBP-related conditions. ClinVar contains an entry for this variant (Variation ID: 1963942). An algorithm developed to predict the effect of missense changes on protein structure and function (PolyPhen-2) suggests that this variant is likely to be disruptive. In summary, the available evidence is currently insufficient to determine the role of this variant in disease. Therefore, it has been classified as a Variant of Uncertain Significance.